The following is an entry in ClinVar:

NM_000038.6(APC):c.5097G>A (p.Glu1699=)

Gene: APC (APC regulator of Wnt signaling pathway; plus strand). Cytogenetic location: 5q22.2.
Variant type: single nucleotide variant.
Coding change: c.5097G>A on transcript NM_000038.6 (MANE Select); coding-DNA position 5097, G replaced by A.
Protein change: p.Glu1699=; no amino-acid change (glutamic acid 1699 retained).
Molecular consequence: synonymous variant.
Genome position (GRCh38, 1-based): chr5:112,840,691, G>A. VCF-style: chr5-112840691-G-A. GRCh37 (hg19) VCF-style: chr5-112176388-G-A.
Other names: c.5097G>A, p.Glu1699= (NM_001127510.3, NM_001354895.2); c.5043G>A, p.Glu1681= (NM_001127511.3); c.5151G>A, p.Glu1717= (NM_001354896.2); c.5127G>A, p.Glu1709= (NM_001354897.2); c.5022G>A, p.Glu1674= (NM_001354898.2); c.5013G>A, p.Glu1671= (NM_001354899.2); c.4974G>A, p.Glu1658= (NM_001354900.2); c.4920G>A, p.Glu1640= (NM_001354901.2); and 5 more.
Identifiers: ClinVar variation 633045 (VCV000633045.16), dbSNP rs1561597648, ClinGen allele CA446209573.

ClinVar aggregate classification (germline): Benign/Likely benign. Review status: criteria provided, multiple submitters, no conflicts (2 of 4 stars). 5 submissions from 5 submitters: Benign (1); Likely benign (4). Last evaluated 2025-09-03.

Conditions:
Hereditary cancer-predisposing syndrome. Also called: Tumor predisposition; Neoplastic Syndromes, Hereditary; Hereditary neoplastic syndrome; Hereditary Cancer Syndrome. Identifiers: Orphanet 140162, MedGen C0027672, MeSH D009386, MONDO:0015356.
Familial adenomatous polyposis 1 (FAP1). Also called: POLYPOSIS, ADENOMATOUS INTESTINAL; FAMILIAL ADENOMATOUS POLYPOSIS 1, ATTENUATED. Identifiers: MedGen C2713442, MONDO:0021056, OMIM 175100. Disease mechanism: loss of function.

Allele frequency attached by ClinVar (database versions not stated): gnomAD exomes below 0.00001.

Submissions (5):

Labcorp Genetics (formerly Invitae), Labcorp
Classification: Likely benign for Familial adenomatous polyposis 1. Last evaluated: 2025-09-03. Review status: criteria provided, single submitter. Criteria: Invitae Variant Classification Sherloc (09022015). Collection method: clinical testing. Allele origin: germline.

Myriad Genetics, Inc.
Classification: Benign for Familial adenomatous polyposis 1. Last evaluated: 2024-03-28. Review status: criteria provided, single submitter. Criteria: Myriad Autosomal Dominant, Autosomal Recessive and X-Linked Classification Criteria (2023). Collection method: clinical testing. Allele origin: unknown.
Comment: This variant is considered benign. This variant is a silent/synonymous amino acid change and it is not expected to impact splicing.

Color Diagnostics, LLC DBA Color Health
Classification: Likely benign for Hereditary cancer-predisposing syndrome. Last evaluated: 2022-11-06. Review status: criteria provided, single submitter. Criteria: ACMG Guidelines, 2015. Collection method: clinical testing. Allele origin: germline.

Ambry Genetics
Classification: Likely benign for Hereditary cancer-predisposing syndrome. Last evaluated: 2020-01-31. Review status: criteria provided, single submitter. Criteria: Ambry Variant Classification Scheme 2023. Collection method: clinical testing. Allele origin: germline.

Women's Health and Genetics/Laboratory Corporation of America, LabCorp
Classification: Likely benign. Last evaluated: 2019-08-20. Review status: criteria provided, single submitter. Criteria: LabCorp Variant Classification Summary - May 2015. Collection method: clinical testing. Allele origin: germline.